The following is an entry in ClinVar:

NM_052947.4(ALPK2):c.2838T>A (p.Leu946=)

Gene: ALPK2 (alpha kinase 2; minus strand). Cytogenetic location: 18q21.31.
Variant type: single nucleotide variant.
Coding change: c.2838T>A on transcript NM_052947.4 (MANE Select); coding-DNA position 2838, T replaced by A.
Protein change: p.Leu946=; no amino-acid change (leucine 946 retained).
Molecular consequence: synonymous variant.
Genome position (GRCh38, 1-based): chr18:58,537,349, A>T on the plus strand (T>A on the coding strand, the complement: ALPK2 is on the minus strand). VCF-style: chr18-58537349-A-T. GRCh37 (hg19) VCF-style: chr18-56204581-A-T.
Identifiers: ClinVar variation 1796675 (VCV001796675.4), dbSNP rs75334530, ClinGen allele CA8977007.
Genomic context (GRCh38, chr18:58,537,349, plus strand): 5'-AGGACTGGGGCTCTTGTCACCTCCTTCTTTAAATTGCACTAAAGGATTGTTCTCAGAAGA[A>T]AGGAGCTGTGTTTCATCAAGCCCTCCTGAGTTGCTGGGGCTTGGCTGCTCCTGGCCAGCA-3'
Protein context (NP_443179.3, residues 936-956): NSGGLDETQL[Leu946=]SSENNPLVQF

ClinVar aggregate classification (germline): Likely benign. Review status: criteria provided, single submitter (1 of 4 stars). 2 submissions from 2 submitters: Likely benign (1). 1 of the submissions does not count toward it. Last evaluated 2022-02-12.

Conditions:
ALPK2-related disorder. Also called: ALPK2-related condition.

Allele frequency attached by ClinVar (database versions not stated): ESP Exome Variant Server 0.00023; TOPMed 0.00094; gnomAD exomes 0.00103; gnomAD 0.00110; ExAC 0.00207; 1000 Genomes Project 30x 0.00468; 1000 Genomes Project 0.00539.
gnomAD v4.1: 1,699 of 1,614,050 alleles (0.11%); highest among the groups gnomAD compares: East Asian, 2%; 18 homozygotes.

Submissions (2):

Ambry Genetics
Classification: Likely benign. Last evaluated: 2022-02-12. Review status: criteria provided, single submitter. Criteria: Ambry Variant Classification Scheme 2023. Collection method: clinical testing. Allele origin: germline.

PreventionGenetics, part of Exact Sciences
Classification: Benign for ALPK2-related condition. Last evaluated: 2019-06-10. Review status: no assertion criteria provided. Collection method: clinical testing. Allele origin: germline. Not counted in ClinVar's aggregate classification.
Comment: This variant is classified as benign based on ACMG/AMP sequence variant interpretation guidelines (Richards et al. 2015 PMID: 25741868, with internal and published modifications).